The following is an entry in ClinVar:

NM_005006.7(NDUFS1):c.180C>G (p.Ile60Met)

Gene: NDUFS1 (NADH:ubiquinone oxidoreductase core subunit S1; minus strand). Cytogenetic location: 2q33.3.
Variant type: single nucleotide variant.
Coding change: c.180C>G on transcript NM_005006.7 (MANE Select); coding-DNA position 180, C replaced by G.
Protein change: p.Ile60Met; replaces isoleucine 60 with methionine.
Molecular consequence: missense variant. On other transcripts: intron variant (2).
Genome position (GRCh38, 1-based): chr2:206,149,899, G>C on the plus strand (C>G on the coding strand, the complement: NDUFS1 is on the minus strand). VCF-style: chr2-206149899-G-C. GRCh37 (hg19) VCF-style: chr2-207014623-G-C.
Other names: c.9C>G, p.Ile3Met (NM_001199983.2); c.222C>G, p.Ile74Met (NM_001199984.2); c.6-2065C>G (NM_001199982.2); c.154-803C>G (NM_001199981.2); short protein forms I3M, I60M, I74M.
Identifiers: ClinVar variation 3339530 (VCV003339530.1).

ClinVar aggregate classification (germline): Uncertain significance (1 of 4 stars; one submission).

gnomAD v4.1: 5 of 1,567,966 alleles (0.00032%); highest among the groups gnomAD compares: Non-Finnish European, 0.00044%; no homozygotes.

Submission:

Women's Health and Genetics/Laboratory Corporation of America, LabCorp
Classification: Uncertain significance. Last evaluated: 2024-06-13. Review status: criteria provided, single submitter. Criteria: LabCorp Variant Classification Summary - May 2015. Collection method: clinical testing. Allele origin: germline.
Comment: Variant summary: NDUFS1 c.180C>G (p.Ile60Met) results in a conservative amino acid change located in the 2Fe-2S ferredoxin-type iron-sulfur binding domain (IPR001041) of the encoded protein sequence. Four of five in-silico tools predict a damaging effect of the variant on protein function. The variant was absent in 251262 control chromosomes. The available data on variant occurrences in the general population are insufficient to allow any conclusion about variant significance. To our knowledge, no occurrence of c.180C>G in individuals affected with Mitochondrial Complex 1 Deficiency, Nuclear Type 5 and no experimental evidence demonstrating its impact on protein function have been reported. No submitters have cited clinical-significance assessments for this variant to ClinVar. Based on the evidence outlined above, the variant was classified as uncertain significance.